The following is an entry in ClinVar:

ClinVar aggregate classification (germline): Uncertain significance (1 of 4 stars; one submission).

Submission:

GeneDx
Classification: Uncertain significance. Last evaluated: 2022-09-30. Review status: criteria provided, single submitter. Criteria: GeneDx Variant Classification Process June 2021. Collection method: clinical testing. Allele origin: germline. Affected: yes.
Comment: Not observed at significant frequency in large population cohorts (gnomAD); In silico analysis supports that this missense variant has a deleterious effect on protein structure/function; Has not been previously published as pathogenic or benign to our knowledge

NM_001376.5(DYNC1H1):c.11446G>A (p.Glu3816Lys)

Gene: DYNC1H1 (dynein cytoplasmic 1 heavy chain 1; plus strand). Cytogenetic location: 14q32.31.
Variant type: single nucleotide variant.
Coding change: c.11446G>A on transcript NM_001376.5 (MANE Select); coding-DNA position 11446, G replaced by A.
Protein change: p.Glu3816Lys; replaces glutamic acid 3816 with lysine.
Molecular consequence: missense variant.
Genome position (GRCh38, 1-based): chr14:102,039,240, G>A. VCF-style: chr14-102039240-G-A. GRCh37 (hg19) VCF-style: chr14-102505577-G-A.
Other names: short protein forms E3816K.
Identifiers: ClinVar variation 1708001 (VCV001708001.2), dbSNP rs2503845025, ClinGen allele CA391034080.